The following is an entry in ClinVar:

ClinVar aggregate classification (germline): Likely benign. Review status: criteria provided, single submitter (1 of 4 stars). 2 submissions from 2 submitters: Likely benign (1). 1 of the submissions does not count toward it. Last evaluated 2018-06-29.

Conditions:
ADGRG6-related disorder. Also called: ADGRG6-related condition.

Allele frequency attached by ClinVar (database versions not stated): TOPMed 0.00007; ESP Exome Variant Server 0.00033.
gnomAD v4.1: 205 of 1,607,614 alleles (0.013%); highest among the groups gnomAD compares: Non-Finnish European, 0.016%; no homozygotes.

Submissions (2):

Labcorp Genetics (formerly Invitae), Labcorp
Classification: Likely benign. Last evaluated: 2018-06-29. Review status: criteria provided, single submitter. Criteria: Invitae Variant Classification Sherloc (09022015). Collection method: clinical testing. Allele origin: germline.

PreventionGenetics, part of Exact Sciences
Classification: Likely benign for ADGRG6-related condition. Last evaluated: 2019-08-20. Review status: no assertion criteria provided. Collection method: clinical testing. Allele origin: germline. Not counted in ClinVar's aggregate classification.
Comment: This variant is classified as likely benign based on ACMG/AMP sequence variant interpretation guidelines (Richards et al. 2015 PMID: 25741868, with internal and published modifications).

NM_198569.3(ADGRG6):c.2046C>T (p.Ser682=)

Gene: ADGRG6 (adhesion G protein-coupled receptor G6; plus strand). Cytogenetic location: 6q24.2.
Variant type: single nucleotide variant.
Coding change: c.2046C>T on transcript NM_198569.3 (MANE Select); coding-DNA position 2046, C replaced by T.
Protein change: p.Ser682=; no amino-acid change (serine 682 retained).
Molecular consequence: synonymous variant.
Genome position (GRCh38, 1-based): chr6:142,403,892, C>T. VCF-style: chr6-142403892-C-T. GRCh37 (hg19) VCF-style: chr6-142725029-C-T.
Other names: c.1962C>T, p.Ser654= (NM_001032394.3, NM_001032395.3); c.2046C>T, p.Ser682= (NM_020455.6).
Identifiers: ClinVar variation 727816 (VCV000727816.5), dbSNP rs200367753, ClinGen allele CA4027077.